The following is an entry in ClinVar:

ClinVar aggregate classification (germline): Pathogenic (1 of 4 stars; one submission).

Submission:

Labcorp Genetics (formerly Invitae), Labcorp
Classification: Pathogenic. Last evaluated: 2023-07-19. Review status: criteria provided, single submitter. Criteria: Invitae Variant Classification Sherloc (09022015). Collection method: clinical testing. Allele origin: germline.
Comment: For these reasons, this variant has been classified as Pathogenic. This variant has not been reported in the literature in individuals affected with MYO15A-related conditions. This variant is not present in population databases (gnomAD no frequency). This sequence change creates a premature translational stop signal (p.Asp502Glyfs*59) in the MYO15A gene. It is expected to result in an absent or disrupted protein product. Loss-of-function variants in MYO15A are known to be pathogenic (PMID: 17546645).

Literature cited by the submitters: PubMed 17546645.

NM_016239.4(MYO15A):c.1504dup (p.Asp502fs)

Gene: MYO15A (myosin XVA; plus strand). Cytogenetic location: 17p11.2.
Variant type: Duplication.
Coding change: c.1504dup on transcript NM_016239.4 (MANE Select); coding-DNA position 1504, one base duplicated (G; older notation c.1504dupG).
Protein change: p.Asp502fs; shifts the reading frame from aspartic acid 502.
Molecular consequence: frameshift variant.
Genome position (GRCh38, 1-based): chr17:18,120,304, G duplicated; the last of 2 consecutive G bases (chr17:18,120,303-18,120,304); duplicating either gives the same sequence. VCF-style (leftmost placement, unchanged base first): chr17-18120302-T-TG. GRCh37 (hg19) VCF-style: chr17-18023616-T-TG.
Other names: short protein forms D502fs.
Identifiers: ClinVar variation 2745163 (VCV002745163.3), dbSNP rs2545180879, ClinGen allele CA2697559453.